The following is an entry in ClinVar:

NM_000350.3(ABCA4):c.5898+2T>C

Gene: ABCA4 (ATP binding cassette subfamily A member 4; minus strand). Cytogenetic location: 1p22.1.
Variant type: single nucleotide variant.
Coding change: c.5898+2T>C on transcript NM_000350.3 (MANE Select); the canonical splice donor site of the intron after coding-DNA position 5898, T replaced by C.
Molecular consequence: splice donor variant.
Genome position (GRCh38, 1-based): chr1:94,008,233, A>G on the plus strand (T>C on the coding strand, the complement: ABCA4 is on the minus strand). VCF-style: chr1-94008233-A-G. GRCh37 (hg19) VCF-style: chr1-94473789-A-G.
Identifiers: ClinVar variation 1073490 (VCV001073490.11), dbSNP rs2101004096, ClinGen allele CA341279815.

ClinVar aggregate classification (germline): Pathogenic. Review status: criteria provided, multiple submitters, no conflicts (2 of 4 stars). 2 submissions from 2 submitters: Pathogenic (2). Last evaluated 2022-08-15.

Conditions:
ABCA4-related disorder. Also called: ABCA4-related disorders; ABCA4-related condition. Identifiers: MedGen CN239167.

Submissions (2):

Blueprint Genetics
Classification: Pathogenic for ABCA4-related disorders. Last evaluated: 2022-08-15. Review status: criteria provided, single submitter. Criteria: ACMG Guidelines, 2015. Collection method: clinical testing. Allele origin: germline. Affected: yes. Observed: 2 variant alleles.

Labcorp Genetics (formerly Invitae), Labcorp
Classification: Pathogenic. Last evaluated: 2022-02-22. Review status: criteria provided, single submitter. Criteria: Invitae Variant Classification Sherloc (09022015). Collection method: clinical testing. Allele origin: germline.
Comment: This sequence change affects a donor splice site in intron 42 of the ABCA4 gene. It is expected to disrupt RNA splicing. Variants that disrupt the donor or acceptor splice site typically lead to a loss of protein function (PMID: 16199547), and loss-of-function variants in ABCA4 are known to be pathogenic (PMID: 10958761, 24938718, 25312043, 26780318). This variant is not present in population databases (gnomAD no frequency). Disruption of this splice site has been observed in individuals with Stargardt disesase (PMID: 30060493, 30834176). ClinVar contains an entry for this variant (Variation ID: 1073490). Algorithms developed to predict the effect of sequence changes on RNA splicing suggest that this variant may disrupt the consensus splice site. For these reasons, this variant has been classified as Pathogenic.

Literature cited by the submitters: PubMed 16199547 (cited by Labcorp Genetics (formerly Invitae), Labcorp); PubMed 10958761 (cited by Labcorp Genetics (formerly Invitae), Labcorp); PubMed 24938718 (cited by Labcorp Genetics (formerly Invitae), Labcorp); PubMed 25312043 (cited by Labcorp Genetics (formerly Invitae), Labcorp); PubMed 26780318 (cited by Labcorp Genetics (formerly Invitae), Labcorp); PubMed 30060493 (cited by Labcorp Genetics (formerly Invitae), Labcorp); PubMed 30834176 (cited by Labcorp Genetics (formerly Invitae), Labcorp).